The following is an entry in ClinVar:

NM_005184.4(CALM3):c.308C>T (p.Ala103Val)

Gene: CALM3 (calmodulin 3; plus strand). Cytogenetic location: 19q13.32.
Variant type: single nucleotide variant.
Coding change: c.308C>T on transcript NM_005184.4 (MANE Select); coding-DNA position 308, C replaced by T.
Protein change: p.Ala103Val; replaces alanine 103 with valine.
Molecular consequence: missense variant.
Genome position (GRCh38, 1-based): chr19:46,608,868, C>T. VCF-style: chr19-46608868-C-T. GRCh37 (hg19) VCF-style: chr19-47112125-C-T.
Other names: c.200C>T, p.Ala67Val (NM_001329921.1, NM_001329923.1, NM_001329924.2 and 2 more transcripts); c.308C>T, p.Ala103Val (NM_001329922.1); short protein forms A103V, A67V.
Identifiers: ClinVar variation 579223 (VCV000579223.8), dbSNP rs1568666713, ClinGen allele CA406473026.
Genomic context (GRCh38, chr19:46,608,868, plus strand): 5'-AGAAGTGCCCAGTGAAAGGCTTTATCCCCAACCCCCAGGATGGGAATGGCTACATCAGCG[C>T]CGCAGAGCTGCGTCACGTAATGACGAACCTGGGGGAGAAGCTGACCGATGAGGAGGTGGA-3'
Protein context (NP_005175.2, residues 93-113): FDKDGNGYIS[Ala103Val]AELRHVMTNL

ClinVar aggregate classification (germline): Uncertain significance (1 of 4 stars; one submission).

Conditions:
Long QT syndrome 1 (LQT1). Identifiers: Orphanet 101016, Orphanet 768, MedGen C4551647, MONDO:0100316, OMIM 192500, MONDO:0008646.

Submission:

Labcorp Genetics (formerly Invitae), Labcorp
Classification: Uncertain significance for Long QT syndrome 1. Last evaluated: 2018-06-14. Review status: criteria provided, single submitter. Criteria: Invitae Variant Classification Sherloc (09022015). Collection method: clinical testing. Allele origin: germline.
Comment: Experimental studies have shown that this missense change alters calmodulin calcium ion binding (PMID: 27516456). In summary, the available evidence is currently insufficient to determine the role of this variant in disease. Therefore, it has been classified as a Variant of Uncertain Significance. This variant has been observed in an individual affected with catecholaminergic polymorphic tachycardia (CPVT) (PMID: 27516456). This variant is not present in population databases (ExAC no frequency). This sequence change replaces alanine with valine at codon 103 of the CALM3 protein (p.Ala103Val). The alanine residue is highly conserved and there is a small physicochemical difference between alanine and valine.

Literature cited by the submitters: PubMed 27516456.